The following is an entry in ClinVar:

NM_001369268.1(ACAN):c.4425_4427delinsG (p.Val1476fs)

Gene: ACAN (aggrecan; plus strand). Cytogenetic location: 15q26.1.
Variant type: Indel.
Coding change: c.4425_4427delinsG on transcript NM_001369268.1 (MANE Select); coding-DNA positions 4425 to 4427, AGT replaced by G.
Protein change: p.Val1476fs; shifts the reading frame from valine 1476.
Molecular consequence: frameshift variant.
Genome position (GRCh38, 1-based): chr15:88,857,010-88,857,012, AGT replaced by G. VCF-style: chr15-88857010-AGT-G. GRCh37 (hg19) VCF-style: chr15-89400241-AGT-G.
Other names: c.4425_4427delinsG, p.Val1476fs (NM_001135.4, NM_001411096.1, NM_001411097.1 and 1 more transcripts); short protein forms V1476fs.
Identifiers: ClinVar variation 3776298 (VCV003776298.1).
Genomic context (GRCh38, chr15:88,857,010, plus strand): 5'-AGTTCTAGAGACTTCTACCTCTGCGGTAGGGGACCTCAGTGGACTTCCTTCTGGAGGAGA[AGT>G]TCTAGAGATTTCTGTCTCTGGAGTAGAGGACATCAGTGGGCTTCCTTCTGGAGAGGTTGT-3'

ClinVar aggregate classification (germline): Likely pathogenic (1 of 4 stars; one submission).

Conditions:
Short stature and advanced bone age, with or without early-onset osteoarthritis and/or osteochondritis dissecans (SSOAOD). Identifiers: Orphanet 251262, MedGen C3665488, MONDO:0100462, OMIM 165800.

Submission:

3billion
Classification: Likely pathogenic for Short stature and advanced bone age, with or without early-onset osteoarthritis and/or osteochondritis dissecans. Last evaluated: 2023-08-01. Review status: criteria provided, single submitter. Criteria: ACMG Guidelines, 2015. Collection method: clinical testing. Allele origin: germline. Affected: yes.
Comment: The variant is not observed in the gnomAD v2.1.1 dataset. Predicted consequence - Frameshift: predicted to result in a loss or disruption of normal protein function through nonsense-mediated decay (NMD) or protein truncation. Multiple pathogenic variants are reported downstream of the variant. Therefore, the variant is classified as likely pathogenic according to the recommendation of ACMG/AMP guideline.